The following is an entry in ClinVar:

NM_001042724.2(NECTIN2):c.691G>A (p.Ala231Thr)

Gene: NECTIN2 (nectin cell adhesion molecule 2; plus strand). Cytogenetic location: 19q13.32.
Variant type: single nucleotide variant.
Coding change: c.691G>A on transcript NM_001042724.2 (MANE Select); coding-DNA position 691, G replaced by A.
Protein change: p.Ala231Thr; replaces alanine 231 with threonine.
Molecular consequence: missense variant.
Genome position (GRCh38, 1-based): chr19:44,872,065, G>A. VCF-style: chr19-44872065-G-A. GRCh37 (hg19) VCF-style: chr19-45375322-G-A.
Other names: c.691G>A, p.Ala231Thr (NM_002856.3); short protein forms A231T.
Identifiers: ClinVar variation 4988424 (VCV004988424.1).

ClinVar aggregate classification (germline): Uncertain significance (1 of 4 stars; one submission).

Conditions:
NECTIN2-related disorder. Also called: NECTIN2-related condition.

gnomAD v4.1: 1 of 1,614,184 alleles (0.000062%); highest among the groups gnomAD compares: Non-Finnish European, 0.000085%; no homozygotes.

Submission:

PreventionGenetics, part of Exact Sciences
Classification: Uncertain significance for NECTIN2-related condition. Last evaluated: 2026-06-02. Review status: criteria provided, single submitter. Criteria: ACMG Guidelines, 2015. Collection method: clinical testing. Allele origin: germline.
Comment: The NECTIN2 c.691G>A variant is predicted to result in the amino acid substitution p.Ala231Thr. To our knowledge, this variant has not been reported in the literature or in a large population database (gnomAD), indicating this variant is rare. At this time, the clinical significance of this variant is uncertain due to the absence of conclusive functional and genetic evidence.